The following is an entry in ClinVar:

ClinVar aggregate classification (germline): Uncertain significance. Review status: criteria provided, multiple submitters, no conflicts (2 of 4 stars). 2 submissions from 2 submitters: Uncertain significance (2). Last evaluated 2024-04-12.

Conditions:
Pancreatic adenocarcinoma. Identifiers: MedGen C0281361, MONDO:0006047, HP:0006725.

Allele frequency attached by ClinVar (database versions not stated): gnomAD exomes 0.00001 and 0.00002; ExAC 0.00002; TOPMed 0.00002; gnomAD 0.00005 and 0.00006.
gnomAD v4.1: 36 of 1,613,754 alleles (0.0022%); highest among the groups gnomAD compares: South Asian, 0.0055%; no homozygotes.

Submissions (2):

Ambry Genetics
Classification: Uncertain significance. Last evaluated: 2024-04-12. Review status: criteria provided, single submitter. Criteria: Ambry Variant Classification Scheme 2023. Collection method: clinical testing. Allele origin: germline.
Comment: The p.R1028Q variant (also known as c.3083G>A), located in coding exon 17 of the PALLD gene, results from a G to A substitution at nucleotide position 3083. The arginine at codon 1028 is replaced by glutamine, an amino acid with highly similar properties. This amino acid position is conserved. In addition, the in silico prediction for this alteration is inconclusive. Since supporting evidence is limited at this time, the clinical significance of this alteration remains unclear.

Labcorp Genetics (formerly Invitae), Labcorp
Classification: Uncertain significance for Pancreatic adenocarcinoma. Last evaluated: 2023-10-29. Review status: criteria provided, single submitter. Criteria: Invitae Variant Classification Sherloc (09022015). Collection method: clinical testing. Allele origin: germline.
Comment: This sequence change replaces arginine, which is basic and polar, with glutamine, which is neutral and polar, at codon 541 of the PALLD protein (p.Arg541Gln). This variant is present in population databases (rs758408204, gnomAD 0.003%). This variant has not been reported in the literature in individuals affected with PALLD-related conditions. ClinVar contains an entry for this variant (Variation ID: 1497913). An algorithm developed to predict the effect of missense changes on protein structure and function (PolyPhen-2) suggests that this variant is likely to be disruptive. In summary, the available evidence is currently insufficient to determine the role of this variant in disease. Therefore, it has been classified as a Variant of Uncertain Significance.

NM_001166108.2(PALLD):c.3134G>A (p.Arg1045Gln)

Genes: CBR4 (carbonyl reductase 4; minus strand), PALLD (palladin, cytoskeletal associated protein; plus strand). Cytogenetic location: 4q32.3.
Variant type: single nucleotide variant.
Coding change: c.3134G>A on transcript NM_001166108.2 (MANE Select); coding-DNA position 3134, G replaced by A.
Protein change: p.Arg1045Gln; replaces arginine 1045 with glutamine.
Molecular consequence: missense variant.
Genome position (GRCh38, 1-based): chr4:168,924,330, G>A. VCF-style: chr4-168924330-G-A. GRCh37 (hg19) VCF-style: chr4-169845481-G-A.
Other names: c.1937G>A, p.Arg646Gln (NM_001166109.2); c.1622G>A, p.Arg541Gln (NM_001166110.2); c.962G>A, p.Arg321Gln (NM_001367567.1, NM_001367569.1); c.1013G>A, p.Arg338Gln (NM_001367568.1, NM_001367570.1); c.3083G>A, p.Arg1028Gln (NM_016081.4); short protein forms R1028Q, R646Q, R1045Q, R321Q, R541Q, R338Q.
Identifiers: ClinVar variation 1497913 (VCV001497913.9), dbSNP rs758408204, ClinGen allele CA3136047.